The following is an entry in ClinVar:

NM_000540.3(RYR1):c.10280C>T (p.Pro3427Leu)

Gene: RYR1 (ryanodine receptor 1; plus strand). Cytogenetic location: 19q13.2.
Variant type: single nucleotide variant.
Coding change: c.10280C>T on transcript NM_000540.3 (MANE Select); coding-DNA position 10280, C replaced by T.
Protein change: p.Pro3427Leu; replaces proline 3427 with leucine.
Molecular consequence: missense variant.
Genome position (GRCh38, 1-based): chr19:38,523,048, C>T. VCF-style: chr19-38523048-C-T. GRCh37 (hg19) VCF-style: chr19-39013688-C-T.
Other names: c.10280C>T, p.Pro3427Leu (NM_001042723.2); short protein forms P3427L.
Identifiers: ClinVar variation 663339 (VCV000663339.19), dbSNP rs775773632, ClinGen allele CA052999.

ClinVar aggregate classification (germline): Uncertain significance. Review status: criteria provided, multiple submitters, no conflicts (2 of 4 stars). 8 submissions from 8 submitters: Uncertain significance (8). Last evaluated 2025-12-17.

Conditions:
King Denborough syndrome (KDS). Identifiers: MedGen C1840365, MONDO:0020485, OMIM 619542.
Congenital myopathy with fiber type disproportion. Also called: Congenital fiber-type disproportion myopathy; Congenital fiber-type disproportion. Identifiers: Orphanet 2020, MedGen C0546264, MONDO:0009711. Inheritance: all.
Congenital multicore myopathy with external ophthalmoplegia (CMYO1B). Also called: Minicore myopathy with external ophthalmoplegia; Congenital myopathy 1B, autosomal recessive; Minicore myopathy; MULTICORE MYOPATHY; MULTIMINICORE DISEASE WITH EXTERNAL OPHTHALMOPLEGIA. Identifiers: Orphanet 598, Orphanet 98905, MedGen C1850674, MONDO:0009712, OMIM 255320, HP:0003789.
Central core myopathy (CMYO1A). Also called: CONGENITAL MYOPATHY 1A, AUTOSOMAL DOMINANT, WITH SUSCEPTIBILITY TO MALIGNANT HYPERTHERMIA; Central core disease; Myopathy, central fibrillar. Identifiers: Orphanet 597, MedGen C5830701, MONDO:0007294, OMIM 117000.
Malignant hyperthermia, susceptibility to, 1 (MHS1). Also called: RYR1-Related Malignant Hyperthermia Susceptibility; Malignant hyperthermia suceptibility 1; Anesthesia related hyperthermia; Malignant hyperpyrexia; Fulminating hyperpyrexia; Pharmacogenic myopathy. Identifiers: Orphanet 423, MedGen C2930980, MONDO:0007783, OMIM 145600.
RYR1-related disorder. Also called: RYR1-related disorders; RYR1-related condition. Identifiers: MedGen CN239331.
Inborn genetic diseases. Identifiers: MedGen C0950123, MeSH D030342.

Allele frequency attached by ClinVar (database versions not stated): gnomAD exomes 0.00002; ExAC 0.00005; gnomAD 0.00005 and 0.00006; TOPMed 0.00005.
gnomAD v4.1: 35 of 1,606,358 alleles (0.0022%); highest among the groups gnomAD compares: African/African-American, 0.025%; no homozygotes.

Submissions (8):

Labcorp Genetics (formerly Invitae), Labcorp
Classification: Uncertain significance for RYR1-related disorder. Last evaluated: 2025-12-17. Review status: criteria provided, single submitter. Criteria: Invitae Variant Classification Sherloc (09022015). Collection method: clinical testing. Allele origin: germline.
Comment: This sequence change replaces proline, which is neutral and non-polar, with leucine, which is neutral and non-polar, at codon 3427 of the RYR1 protein (p.Pro3427Leu). This variant is present in population databases (rs775773632, gnomAD 0.01%). This variant has not been reported in the literature in individuals affected with RYR1-related conditions. ClinVar contains an entry for this variant (Variation ID: 663339). Invitae Evidence Modeling of protein sequence and biophysical properties (such as structural, functional, and spatial information, amino acid conservation, physicochemical variation, residue mobility, and thermodynamic stability) indicates that this missense variant is not expected to disrupt RYR1 protein function with a negative predictive value of 80%. In summary, the available evidence is currently insufficient to determine the role of this variant in disease. Therefore, it has been classified as a Variant of Uncertain Significance.

PreventionGenetics, part of Exact Sciences
Classification: Uncertain significance for RYR1-related condition. Last evaluated: 2025-10-10. Review status: criteria provided, single submitter. Criteria: ACMG Guidelines, 2015. Collection method: clinical testing. Allele origin: germline.
Comment: The RYR1 c.10280C>T variant is predicted to result in the amino acid substitution p.Pro3427Leu. To our knowledge, this variant has not been reported in the literature. This variant is reported in 0.013% of alleles in individuals of African descent in gnomAD. At this time, the clinical significance of this variant is uncertain due to the absence of conclusive functional and genetic evidence.

GeneDx
Classification: Uncertain significance. Last evaluated: 2025-07-11. Review status: criteria provided, single submitter. Criteria: GeneDx Variant Classification Process June 2021. Collection method: clinical testing. Allele origin: germline.
Comment: Reported as a variant of uncertain significance in a patient with congenital myopathy who also harbored a second RYR1 variant, phase unknown (PMID: 39966651); Not observed at significant frequency in large population cohorts (gnomAD); In silico analysis supports that this missense variant has a deleterious effect on protein structure/function; This variant is associated with the following publications: (PMID: 39966651)

Ambry Genetics
Classification: Uncertain significance for Inborn genetic diseases. Last evaluated: 2025-03-18. Review status: criteria provided, single submitter. Criteria: Ambry Variant Classification Scheme 2023. Collection method: clinical testing. Allele origin: germline.

All of Us Research Program, National Institutes of Health
Classification: Uncertain significance for Malignant hyperthermia, susceptibility to, 1. Last evaluated: 2024-08-13. Review status: criteria provided, single submitter. Criteria: ACMG Guidelines, 2015. Collection method: clinical testing. Allele origin: germline. Inheritance: Autosomal dominant inheritance. Observed: 9 variant alleles, 9 heterozygotes.
Comment: This missense variant replaces proline with leucine at codon 3427 of the RYR1 protein. Computational prediction suggests that this variant may not impact protein structure and function (internally defined REVEL score threshold <= 0.5, PMID: 27666373). To our knowledge, functional studies have not been reported for this variant. This variant has not been reported in individuals affected with RYR1-related disorders in the literature. This variant has been identified in 6/268138 chromosomes in the general population by the Genome Aggregation Database (gnomAD). The available evidence is insufficient to determine the role of this variant in disease conclusively. Therefore, this variant is classified as a Variant of Uncertain Significance.

This study involves interpretation of variants in research participants for the purpose of population health screening. Participant phenotype was not available at the time of variant classification. Additional details can be found in publication PMID: 35346344, PMCID: PMC8962531

Color Diagnostics, LLC DBA Color Health
Classification: Uncertain significance for Malignant hyperthermia, susceptibility to, 1. Last evaluated: 2024-06-04. Review status: criteria provided, single submitter. Criteria: ACMG Guidelines, 2015. Collection method: clinical testing. Allele origin: germline.
Comment: This missense variant replaces proline with leucine at codon 3427 of the RYR1 protein. Computational prediction suggests that this variant may not impact protein structure and function. To our knowledge, functional studies have not been reported for this variant. This variant has not been reported in individuals affected with RYR1-related disorders in the literature. This variant has been identified in 6/268138 chromosomes in the general population by the Genome Aggregation Database (gnomAD). The available evidence is insufficient to determine the role of this variant in disease conclusively. Therefore, this variant is classified as a Variant of Uncertain Significance.

Revvity Omics, Revvity
Classification: Uncertain significance. Last evaluated: 2022-07-26. Review status: criteria provided, single submitter. Criteria: ACMG Guidelines, 2015. Collection method: clinical testing. Allele origin: germline.

Fulgent Genetics
Classification: Uncertain significance for Central core myopathy; Malignant hyperthermia, susceptibility to, 1; Congenital myopathy 4A, autosomal dominant; Congenital multicore myopathy with external ophthalmoplegia; King Denborough syndrome. Last evaluated: 2021-08-16. Review status: criteria provided, single submitter. Criteria: ACMG Guidelines, 2015. Collection method: clinical testing. Allele origin: unknown.